The following is an entry in ClinVar:

NM_004385.5(VCAN):c.4146C>A (p.Asp1382Glu)

Genes: VCAN (versican; plus strand), VCAN-AS1 (VCAN antisense RNA 1; minus strand). Cytogenetic location: 5q14.3.
Variant type: single nucleotide variant.
Coding change: c.4146C>A on transcript NM_004385.5 (MANE Select); coding-DNA position 4146, C replaced by A.
Protein change: p.Asp1382Glu; replaces aspartic acid 1382 with glutamic acid.
Molecular consequence: missense variant. On other transcripts: intron variant (2).
Genome position (GRCh38, 1-based): chr5:83,537,149, C>A. VCF-style: chr5-83537149-C-A. GRCh37 (hg19) VCF-style: chr5-82832968-C-A.
Other names: c.1185C>A, p.Asp395Glu (NM_001164097.2); c.4004-8388C>A (NM_001164098.2); c.1043-8388C>A (NM_001126336.3); short protein forms D1382E, D395E.
Identifiers: ClinVar variation 1312732 (VCV001312732.2), dbSNP rs2112439332, ClinGen allele CA360307604.

ClinVar aggregate classification (germline): Uncertain significance (1 of 4 stars; one submission).

Submission:

GeneDx
Classification: Uncertain significance. Last evaluated: 2020-06-24. Review status: criteria provided, single submitter. Criteria: GeneDx Variant Classification Process June 2021. Collection method: clinical testing. Allele origin: germline. Affected: yes.
Comment: Not observed in large population cohorts (Lek et al., 2016); In silico analysis supports that this missense variant does not alter protein structure/function; Has not been previously published as pathogenic or benign to our knowledge